The following is an entry in ClinVar:

NM_032043.3(BRIP1):c.1898T>G (p.Ile633Ser)

Gene: BRIP1 (BRCA1 interacting DNA helicase 1; minus strand). Cytogenetic location: 17q23.2.
Variant type: single nucleotide variant.
Coding change: c.1898T>G on transcript NM_032043.3 (MANE Select); coding-DNA position 1898, T replaced by G.
Protein change: p.Ile633Ser; replaces isoleucine 633 with serine.
Molecular consequence: missense variant.
Genome position (GRCh38, 1-based): chr17:61,780,298, A>C on the plus strand (T>G on the coding strand, the complement: BRIP1 is on the minus strand). VCF-style: chr17-61780298-A-C. GRCh37 (hg19) VCF-style: chr17-59857659-A-C.
Other names: short protein forms I633S.
Identifiers: ClinVar variation 5033446 (VCV005033446.1).

ClinVar aggregate classification (germline): Uncertain significance (1 of 4 stars; one submission).

Conditions:
Hereditary cancer-predisposing syndrome. Also called: Neoplastic Syndromes, Hereditary; Tumor predisposition; Hereditary neoplastic syndrome; Hereditary Cancer Syndrome. Identifiers: Orphanet 140162, MedGen C0027672, MeSH D009386, MONDO:0015356.

Submission:

Ambry Genetics
Classification: Uncertain significance for Hereditary cancer-predisposing syndrome. Last evaluated: 2026-08-11. Review status: criteria provided, single submitter. Criteria: Ambry Variant Classification Scheme 2023. Collection method: clinical testing. Allele origin: germline.
Comment: The p.I633S variant (also known as c.1898T>G), located in coding exon 12 of the BRIP1 gene, results from a T to G substitution at nucleotide position 1898. The isoleucine at codon 633 is replaced by serine, an amino acid with dissimilar properties. This amino acid position is conserved. In addition, the in silico prediction for this alteration is inconclusive. Based on the available evidence, the clinical significance of this variant remains unclear.